The following is an entry in ClinVar:

ClinVar aggregate classification (germline): Likely benign. Review status: criteria provided, multiple submitters, no conflicts (2 of 4 stars). 3 submissions from 3 submitters: Likely benign (3). Last evaluated 2025-08-13.

Conditions:
KIDINS220-related disorder. Also called: KIDINS220-related condition.

Allele frequency attached by ClinVar (database versions not stated): ExAC 0.00002; gnomAD exomes 0.00002; TOPMed 0.00002; gnomAD 0.00003.
gnomAD v4.1: 22 of 1,613,938 alleles (0.0014%); highest among the groups gnomAD compares: African/African-American, 0.0053%; no homozygotes.

Submissions (3):

PreventionGenetics, part of Exact Sciences
Classification: Likely benign for KIDINS220-related condition. Last evaluated: 2025-08-13. Review status: criteria provided, single submitter. Criteria: ACMG Guidelines, 2015. Collection method: clinical testing. Allele origin: germline.
Comment: This variant is classified as likely benign based on ACMG/AMP sequence variant interpretation guidelines (Richards et al. 2015 PMID: 25741868, with internal and published modifications).

CeGaT Center for Human Genetics Tuebingen
Classification: Likely benign. Last evaluated: 2024-11-01. Review status: criteria provided, single submitter. Criteria: CeGaT Center For Human Genetics Tuebingen Variant Classification Criteria Version 2. Collection method: clinical testing. Allele origin: germline. Affected: yes. Observed: 1 variant allele.
Comment: KIDINS220: BP4, BP7

Labcorp Genetics (formerly Invitae), Labcorp
Classification: Likely benign. Last evaluated: 2022-11-08. Review status: criteria provided, single submitter. Criteria: Invitae Variant Classification Sherloc (09022015). Collection method: clinical testing. Allele origin: germline.

NM_020738.4(KIDINS220):c.4635C>T (p.Ala1545=)

Gene: KIDINS220 (kinase D interacting substrate 220; minus strand). Cytogenetic location: 2p25.1.
Variant type: single nucleotide variant.
Coding change: c.4635C>T on transcript NM_020738.4 (MANE Select); coding-DNA position 4635, C replaced by T.
Protein change: p.Ala1545=; no amino-acid change (alanine 1545 retained).
Molecular consequence: synonymous variant. On other transcripts: intron variant (6).
Genome position (GRCh38, 1-based): chr2:8,731,401, G>A on the plus strand (C>T on the coding strand, the complement: KIDINS220 is on the minus strand). VCF-style: chr2-8731401-G-A. GRCh37 (hg19) VCF-style: chr2-8871531-G-A.
Other names: c.4638C>T, p.Ala1546= (NM_001348729.2); c.4581C>T, p.Ala1527= (NM_001348731.2); c.4578C>T, p.Ala1526= (NM_001348732.2); c.4467C>T, p.Ala1489= (NM_001348734.2); c.4464C>T, p.Ala1488= (NM_001348735.2); c.4338C>T, p.Ala1446= (NM_001348736.2); c.3882+2043C>T (NM_001348741.2, NM_001348742.2, NM_001348743.2); c.3996+2043C>T (NM_001348738.2); and 2 more.
Identifiers: ClinVar variation 1605432 (VCV001605432.23), dbSNP rs758116376, ClinGen allele CA1519339.